The following is an entry in ClinVar:

ClinVar aggregate classification (germline): Likely pathogenic. Review status: criteria provided, multiple submitters, no conflicts (2 of 4 stars). 2 submissions from 2 submitters: Likely pathogenic (2). Last evaluated 2026-04-14.

Conditions:
Familial intrahepatic cholestasis. Identifiers: Orphanet 284385, MedGen CN296401, MONDO:0017290.
Progressive familial intrahepatic cholestasis type 2. Identifiers: Orphanet 79304, MedGen C3489789, MONDO:0011156, OMIM 601847.

Submissions (2):

Genomenon, Inc
Classification: Likely pathogenic for Familial intrahepatic cholestasis. Last evaluated: 2026-04-14. Review status: criteria provided, single submitter. Criteria: Genomenon Sequence Variant Interpretation Standards - Updated. Collection method: curation. Allele origin: germline. Affected: yes.
Comment: ABCB11 p.Gly1267AspfsTer28 (c.3800_3804del) is a frameshift variant that results in the production of a truncated protein. This variant has been observed in at least one proband with an ABCB11-related disorder (PMID:25847299). It is absent or not present at a significant frequency in gnomAD. In conclusion, we classify ABCB11 p.Gly1267AspfsTer28 (c.3800_3804del) as a likely pathogenic variant.

Natera, Inc.
Classification: Likely pathogenic for Progressive familial intrahepatic cholestasis type 2. Last evaluated: 2024-11-22. Review status: criteria provided, single submitter. Criteria: Natera Variant Classification Schema (03/2026). Collection method: clinical testing. Allele origin: germline.
Comment: The c.3800_3804delGTCGG variant in ABCB11 is a frameshift variant predicted to shift the reading frame beginning at codon 1267 and leads to a stop codon 28 codons downstream. This variant is expected to result in nonsense mediated decay, truncation, or a dysfunctional protein product. This variant is rare in the general population with a frequency below the threshold expected for the associated phenotype(s). This variant has been observed in one or more individuals affected with the associated recessive disease, as either homozygous or compound heterozygous with a second variant (PMID: 25847299). Given the available evidence, this variant is classified as Likely Pathogenic.

Literature cited by the submitters: PubMed 25847299 (cited by Genomenon, Inc and Natera, Inc.).

NM_003742.4(ABCB11):c.3800_3804del (p.Gly1267fs)

Gene: ABCB11 (ATP binding cassette subfamily B member 11; minus strand). Cytogenetic location: 2q31.1.
Variant type: Deletion.
Coding change: c.3800_3804del on transcript NM_003742.4 (MANE Select); coding-DNA positions 3800 to 3804, 5 bases deleted (GTCGG; older notation c.3800_3804delGTCGG).
Protein change: p.Gly1267fs; shifts the reading frame from glycine 1267.
Molecular consequence: frameshift variant.
Genome position (GRCh38, 1-based): chr2:168,923,784-168,923,788, CCGAC deleted on the plus strand (GTCGG on the coding strand, the reverse complement: ABCB11 is on the minus strand); deleting any 5 consecutive bases within chr2:168,923,784-168,923,790 gives the same sequence; the c. name uses the placement nearest the transcript's 3' end. VCF-style (leftmost placement, unchanged base first): chr2-168923783-TCCGAC-T. GRCh37 (hg19) VCF-style: chr2-169780293-TCCGAC-T.
Other names: c.3800_3804delGTCGG (NM_003742.4); short protein forms G1267fs.
Identifiers: ClinVar variation 4815279 (VCV004815279.2).
Genomic context (GRCh38, chr2:168,923,783, plus strand): 5'-TGACAGCAATGATATCCGCGTTCTGGATGGTGGACAAGCGATGGGCAATGACAATGCAGG[TCCGAC>T]CCTCTCTGGCTTTGTCTAGAGCAACCTGCACCGTCTGCAAAGAGAAGATGGAAAGTTGAT-3'